The following is an entry in ClinVar:

NM_001271.4(CHD2):c.103A>G (p.Ser35Gly)

Gene: CHD2 (chromodomain helicase DNA binding protein 2; plus strand). Cytogenetic location: 15q26.1.
Variant type: single nucleotide variant.
Coding change: c.103A>G on transcript NM_001271.4 (MANE Select); coding-DNA position 103, A replaced by G.
Protein change: p.Ser35Gly; replaces serine 35 with glycine.
Molecular consequence: missense variant.
Genome position (GRCh38, 1-based): chr15:92,924,361, A>G. VCF-style: chr15-92924361-A-G. GRCh37 (hg19) VCF-style: chr15-93467591-A-G.
Other names: c.103A>G, p.Ser35Gly (NM_001042572.3); short protein forms S35G.
Identifiers: ClinVar variation 1983074 (VCV001983074.4), dbSNP rs2053017567, ClinGen allele CA393895963.
Genomic context (GRCh38, chr15:92,924,361, plus strand): 5'-TCTCTCTCTCTCAAAATAAGTCACTCAGCCTCTGAAGAAGCTTCGGGTTCAGACTCAGGC[A>G]GTCAGTCGGAAAGTGAGCAGGGAAGTGATCCAGGAAGTGGACATGGCAGCGAGTCGAACA-3'
Protein context (NP_001262.3, residues 25-45): SEEASGSDSG[Ser35Gly]QSESEQGSDP

ClinVar aggregate classification (germline): Uncertain significance (1 of 4 stars; one submission).

Conditions:
Developmental and epileptic encephalopathy 94 (DEE94). Also called: CHD2-Related Neurodevelopmental Disorders; Epileptic encephalopathy, childhood-onset. Identifiers: Orphanet 1942, Orphanet 2382, MedGen C3809278, MONDO:0014150, OMIM 615369.

Allele frequency attached by ClinVar (database versions not stated): TOPMed below 0.00001.

Submission:

Labcorp Genetics (formerly Invitae), Labcorp
Classification: Uncertain significance for Developmental and epileptic encephalopathy 94. Last evaluated: 2025-11-03. Review status: criteria provided, single submitter. Criteria: Invitae Variant Classification Sherloc (09022015). Collection method: clinical testing. Allele origin: germline.
Comment: This sequence change replaces serine, which is neutral and polar, with glycine, which is neutral and non-polar, at codon 35 of the CHD2 protein (p.Ser35Gly). This variant is not present in population databases (gnomAD no frequency). This variant has not been reported in the literature in individuals affected with CHD2-related conditions. ClinVar contains an entry for this variant (Variation ID: 1983074). Invitae Evidence Modeling of protein sequence and biophysical properties (such as structural, functional, and spatial information, amino acid conservation, physicochemical variation, residue mobility, and thermodynamic stability) indicates that this missense variant is not expected to disrupt CHD2 protein function with a negative predictive value of 95%. In summary, the available evidence is currently insufficient to determine the role of this variant in disease. Therefore, it has been classified as a Variant of Uncertain Significance.